The following is an entry in ClinVar:

NM_001252078.2(USP15):c.2129G>T (p.Arg710Leu)

Gene: USP15 (ubiquitin specific peptidase 15; plus strand). Cytogenetic location: 12q14.1.
Variant type: single nucleotide variant.
Coding change: c.2129G>T on transcript NM_001252078.2 (MANE Select); coding-DNA position 2129, G replaced by T.
Protein change: p.Arg710Leu; replaces arginine 710 with leucine.
Molecular consequence: missense variant. On other transcripts: non-coding transcript variant (5).
Genome position (GRCh38, 1-based): chr12:62,391,325, G>T. VCF-style: chr12-62391325-G-T. GRCh37 (hg19) VCF-style: chr12-62785105-G-T.
Other names: c.1766G>T, p.Arg589Leu (NM_001351159.2); c.1382G>T, p.Arg461Leu (NM_001351160.2); c.1130G>T, p.Arg377Leu (NM_001351163.2, NM_001351164.2, NM_001351165.2 and 1 more transcripts); c.2042G>T, p.Arg681Leu (NM_006313.3); short protein forms R681L, R710L, R461L, R377L, R589L.
Identifiers: ClinVar variation 4984638 (VCV004984638.1).

ClinVar aggregate classification (germline): Uncertain significance (1 of 4 stars; one submission).

Conditions:
USP15-related disorder. Also called: USP15-related condition.

Submission:

PreventionGenetics, part of Exact Sciences
Classification: Uncertain significance for USP15-related condition. Last evaluated: 2026-06-27. Review status: criteria provided, single submitter. Criteria: ACMG Guidelines, 2015. Collection method: clinical testing. Allele origin: germline.
Comment: The USP15 c.2129G>T variant is predicted to result in the amino acid substitution p.Arg710Leu. To our knowledge, this variant has not been reported in the literature or in a large population database (gnomAD), indicating this variant is rare. At this time, the clinical significance of this variant is uncertain due to the absence of conclusive functional and genetic evidence.